The following is an entry in ClinVar:

NM_003906.5(MCM3AP):c.3859A>G (p.Ile1287Val)

Gene: MCM3AP (minichromosome maintenance complex component 3 associated protein; minus strand). Cytogenetic location: 21q22.3.
Variant type: single nucleotide variant.
Coding change: c.3859A>G on transcript NM_003906.5 (MANE Select); coding-DNA position 3859, A replaced by G.
Protein change: p.Ile1287Val; replaces isoleucine 1287 with valine.
Molecular consequence: missense variant.
Genome position (GRCh38, 1-based): chr21:46,256,862, T>C on the plus strand (A>G on the coding strand, the complement: MCM3AP is on the minus strand). VCF-style: chr21-46256862-T-C. GRCh37 (hg19) VCF-style: chr21-47676776-T-C.
Other names: short protein forms I1287V.
Identifiers: ClinVar variation 1699601 (VCV001699601.2), dbSNP rs748162438, ClinGen allele CA410550941.

ClinVar aggregate classification (germline): Uncertain significance (1 of 4 stars; one submission).

Allele frequency attached by ClinVar (database versions not stated): TOPMed below 0.00001; gnomAD 0.00001; gnomAD exomes 0.00001.
gnomAD v4.1: 10 of 1,584,630 alleles (0.00063%); highest among the groups gnomAD compares: South Asian, 0.0011%; no homozygotes.

Submission:

GeneDx
Classification: Uncertain significance. Last evaluated: 2022-01-12. Review status: criteria provided, single submitter. Criteria: GeneDx Variant Classification Process June 2021. Collection method: clinical testing. Allele origin: germline. Affected: yes.
Comment: Not observed at significant frequency in large population cohorts (gnomAD); In silico analysis supports that this missense variant does not alter protein structure/function; Has not been previously published as pathogenic or benign to our knowledge